The following is an entry in ClinVar:

ClinVar aggregate classification (germline): Uncertain significance. Review status: criteria provided, multiple submitters, no conflicts (2 of 4 stars). 2 submissions from 2 submitters: Uncertain significance (2). Last evaluated 2026-09-01.

Conditions:
Inborn genetic diseases. Identifiers: MedGen C0950123, MeSH D030342.

Submissions (2):

Ambry Genetics
Classification: Uncertain significance for Inborn genetic diseases. Last evaluated: 2026-09-01. Review status: criteria provided, single submitter. Criteria: Ambry Variant Classification Scheme 2023. Collection method: clinical testing. Allele origin: germline.

CeGaT Center for Human Genetics Tuebingen
Classification: Uncertain significance. Last evaluated: 2026-01-01. Review status: criteria provided, single submitter. Criteria: CeGaT Center For Human Genetics Tuebingen Variant Classification Criteria Version 2. Collection method: clinical testing. Allele origin: germline. Affected: yes. Observed: 1 variant allele.
Comment: TBC1D24: PM2

NM_001199107.2(TBC1D24):c.217G>T (p.Val73Leu)

Gene: TBC1D24 (TBC1 domain family member 24; plus strand). Cytogenetic location: 16p13.3.
Variant type: single nucleotide variant.
Coding change: c.217G>T on transcript NM_001199107.2 (MANE Select); coding-DNA position 217, G replaced by T.
Protein change: p.Val73Leu; replaces valine 73 with leucine.
Molecular consequence: missense variant.
Genome position (GRCh38, 1-based): chr16:2,496,365, G>T. VCF-style: chr16-2496365-G-T. GRCh37 (hg19) VCF-style: chr16-2546366-G-T.
Other names: c.217G>T, p.Val73Leu (NM_020705.3); c.217G>T (NM_001199107.1); short protein forms V73L.
Identifiers: ClinVar variation 4822940 (VCV004822940.5).